The following is an entry in ClinVar:

NM_004004.6(GJB2):c.355GAG[1] (p.Glu120del)

Gene: GJB2 (gap junction protein beta 2; minus strand). Cytogenetic location: 13q12.11.
Variant type: Microsatellite.
Coding change: c.355GAG[1] on transcript NM_004004.6 (MANE Select); one copy of the 3-base unit GAG starting at c.355; the reference has two copies in a row; one copy, 3 bases deleted; also written c.358_360del.
Protein change: p.Glu120del; deletes glutamic acid 120.
Molecular consequence: inframe deletion.
Genome position (GRCh38, 1-based): chr13:20,189,222-20,189,224, CTC deleted on the plus strand (GAG on the coding strand, the reverse complement: GJB2 is on the minus strand); deleting any 3 consecutive bases within chr13:20,189,222-20,189,227 gives the same sequence; the position shown is the placement nearest the transcript's 3' end. VCF-style (leftmost placement, unchanged base first): chr13-20189221-TCTC-T. GRCh37 (hg19) VCF-style: chr13-20763360-TCTC-T.
Other names: E118del; E120delE; c.358_360delGAG (NM_004004.6); c.358_360del (NM_004004.6); short protein forms E120del.
Identifiers: ClinVar variation 17006 (VCV000017006.83), dbSNP rs80338947, ClinGen allele CA172226.
Genomic context (GRCh38, chr13:20,189,221, plus strand): 5'-AGATGCTGCTTGTGTAGGTCCACCACAGGGAGCCTTCGATGCGGACCTTCTGGGTTTTGA[TCTC>T]CTCGATGTCCTTAAATTCACTCTTTATCTCCCCCTTGATGAACTTCCTCTTCTTCTCATG-3'

ClinVar aggregate classification (germline): Pathogenic. Review status: criteria provided, multiple submitters, no conflicts (2 of 4 stars). 28 submissions from 28 submitters: Pathogenic (24). 4 of the submissions do not count toward it. Last evaluated 2026-07-14.

Conditions:
GJB2-related disorder. Also called: GJB2-related condition; GJB2-related disorders. Identifiers: MedGen CN382183, MONDO:1060236.
Rare genetic deafness. Identifiers: Orphanet 96210, MedGen C5680250.
Monogenic hearing loss.
Hearing loss. Identifiers: MedGen C3887873.
Autosomal recessive nonsyndromic hearing loss 1A (DFNB1A). Also called: Deafness, autosomal recessive 1A; GJB2-Related Autosomal Recessive Nonsyndromic Hearing Loss; Connexin 26 deafness; Deafness nonsyndromic, Connexin 26 linked; Nonsyndromic Hearing Loss and Deafness, DFNB1; GJB6-Related DFNB 1 Nonsyndromic Hearing Loss and Deafness. Identifiers: Orphanet 90636, MedGen C2673759, MONDO:0009076, OMIM 220290.
Palmoplantar keratoderma-deafness syndrome. Also called: Keratoderma palmoplantar, with deafness; Palmoplantar keratoderma and sensorineural deafness; Hereditary palmoplantar keratoderma with deafness (subtype); Focal palmoplantar keratoderma with sensorineural deafness (subtype); Diffuse palmoplantar keratoderma with deafness (subtype). Identifiers: Orphanet 2202, MedGen C1835672, MONDO:0007852, OMIM 148350.
Knuckle pads, deafness AND leukonychia syndrome. Also called: Bart-Pumphrey syndrome. Identifiers: Orphanet 2698, MedGen C0266004, MONDO:0007866, OMIM 149200.
Autosomal dominant keratitis-ichthyosis-hearing loss syndrome. Also called: HID SYNDROME; KID SYNDROME, AUTOSOMAL DOMINANT; Senter syndrome. Identifiers: Orphanet 477, MedGen C0265336, MONDO:0007850, OMIM 148210.
Autosomal dominant nonsyndromic hearing loss 3A. Identifiers: Orphanet 90635, MedGen C2675750, MONDO:0011103, OMIM 601544.
Ichthyosis, hystrix-like, with hearing loss. Also called: Hystrix-like ichthyosis with deafness. Identifiers: Orphanet 477, MedGen C1865234, MONDO:0011245.
Mutilating keratoderma (VOWNKL). Also called: Keratoderma hereditarium mutilans. Identifiers: Orphanet 494, MedGen C0265964, MONDO:0007422, OMIM 124500.
Nonsyndromic genetic hearing loss. Also called: Nonsyndromic hearing loss and deafness; Non-syndromic genetic deafness; Nonsyndromic genetic deafness. Identifiers: Orphanet 87884, MedGen C5680182, MONDO:0019497.
Hearing impairment. Also called: Impaired Hearing. Identifiers: MedGen C1384666, MONDO:0005365, HP:0000365.

Submissions 1 to 11 of 28:

PreventionGenetics, part of Exact Sciences
Classification: Pathogenic for GJB2-related condition. Last evaluated: 2026-07-14. Review status: criteria provided, single submitter. Criteria: ACMG Guidelines, 2015. Collection method: clinical testing. Allele origin: germline.
Comment: The GJB2 c.358_360delGAG variant is predicted to result in an in-frame deletion (p.Glu120del). This variant has been reported to be causative for autosomal recessive hearing loss (Murgia et al 2004. PubMed ID: 10544226; Lin et al. 2001. PubMed ID: 11438992; Tekin et al. 2003. PubMed ID: 12673800; Mahdieh et al 2010. PubMed ID: 20609484; Mani et al 2009. PubMed ID: 18941476). Functional studies demonstrated this variant did not form functional gap junction channels (Mani et al 2009. PubMed ID: 18941476). This variant is reported in 0.013% of alleles in individuals of European (Non-Finnish) descent in gnomAD. This variant is interpreted as pathogenic.

CeGaT Center for Human Genetics Tuebingen
Classification: Pathogenic. Last evaluated: 2026-02-01. Review status: criteria provided, single submitter. Criteria: CeGaT Center For Human Genetics Tuebingen Variant Classification Criteria Version 2. Collection method: clinical testing. Allele origin: germline. Affected: yes. Observed: 5 variant alleles.
Comment: GJB2: PM3:Very Strong, PM2, PM4:Supporting, PS3:Supporting

Natera, Inc.
Classification: Pathogenic for Autosomal recessive deafness type 1A. Last evaluated: 2025-12-30. Review status: criteria provided, single submitter. Criteria: Natera Variant Classification Schema (03/2026). Collection method: clinical testing. Allele origin: germline.
Comment: The c.358_360delGAG variant in GJB2 is an in-frame deletion predicted to remove glutamic acid at amino acid 120 while preserving the reading frame. This variant is rare in the general population with a frequency below the threshold expected for the associated phenotype(s). This variant has been observed in one or more individuals affected with the associated recessive disease, as either homozygous or compound heterozygous with a second variant (PMID: 10890143, 10982180, 15666300, 34695157). Additionally, this variant has been observed to segregate in affected family members (PMID: 34695157). Given the available evidence, this variant is classified as Pathogenic.

Labcorp Genetics (formerly Invitae), Labcorp
Classification: Pathogenic. Last evaluated: 2025-11-25. Review status: criteria provided, single submitter. Criteria: Invitae Variant Classification Sherloc (09022015). Collection method: clinical testing. Allele origin: germline.
Comment: This variant, c.358_360del, results in the deletion of 1 amino acid(s) of the GJB2 protein (p.Glu120del), but otherwise preserves the integrity of the reading frame. This variant is present in population databases (rs80338947, gnomAD 0.01%). This variant has been observed in individuals with autosomal recessive deafness (PMID: 10544226, 11438992, 15070423, 16712961, 18941476, 20553101, 20609484, 25214170). Algorithms developed to predict the effect of variants on gene product structure and function are not available or were not evaluated for this variant. Experimental studies have shown that this variant affects GJB2 function (PMID: 12505163, 18941476). For these reasons, this variant has been classified as Pathogenic.

Victorian Clinical Genetics Services, Murdoch Childrens Research Institute
Classification: Pathogenic for Autosomal recessive nonsyndromic hearing loss 1A. Last evaluated: 2025-10-25. Review status: criteria provided, single submitter. Criteria: ACMG Guidelines, 2015. Collection method: clinical testing. Allele origin: germline. Affected: yes.
Comment: This variant is classified as Pathogenic. Evidence in support of pathogenic classification: In-frame insertion/deletion in a non-repetitive region that has high conservation; Variant is present in gnomAD (v2) <0.01 for a recessive condition (20 heterozygotes, 0 homozygotes); This variant has strong previous evidence of pathogenicity in unrelated individuals. This variant has been classified as pathogenic by multiple clinical laboratories in ClinVar. Additional information: This variant is heterozygous; This gene is associated with both recessive and dominant disease. The autosomal dominant diseases are commonly associated with pathogenic missense variants. The autosomal recessive disease is associated with bi-allelic loss-of-function variants and includes missense and protein truncating variants (NIH Genetics Home Reference, PMID: 12792423); An alternative amino acid change at the same position has been observed in gnomAD (v2) (7 heterozygotes, 0 homozygotes); Variant is located in the annotated connexin domain (NCBI, DECIPHER); Loss of function is a known mechanism of disease in this gene and is associated with both deafness and skin conditions (OMIM). Dominant negative is also a suggested mechanism (PMID: 28428247); The condition associated with this gene has incomplete penetrance (PMID: 31160754); Variants in this gene are known to have variable expressivity. Severity can range from mild to profound with intrafamilial variability also commonly seen. Commonly, truncating variants are associated to a more severe hearing loss (PMID: 20301449); Heterozygous variant detected in trans with a second PATHOGENIC heterozygous variant (NM_004004.6(GJB2):c.269T>C; p.(Leu90Pro)) in a recessive disease; Inheritance information for this variant is not currently available in this individual.

Genetics Laboratory, Great Ormond Street Hospital NHS Foundation Trust, North Thames Genomic Laboratory Hub
Classification: Pathogenic for Monogenic hearing loss. Last evaluated: 2025-10-20. Review status: criteria provided, single submitter. Criteria: ACGS Best Practice Guidelines for Variant Classification in Rare Disease 2024 v1.2. Collection method: clinical testing. Allele origin: germline. Affected: yes.
Comment: PM2_supporting, PM4_supporting, PS3_supporting, PM3_very-strong

North West Genomic Laboratory Hub, Manchester University NHS Foundation Trust
Classification: Pathogenic for Monogenic hearing loss. Last evaluated: 2025-02-21. Review status: criteria provided, single submitter. Criteria: ACGS Best Practice Guidelines for Variant Classification in Rare Disease 2024. Collection method: clinical testing. Allele origin: germline. Affected: yes.
Comment: PM4_Supp PM3_VStr PS3_Supp PM2_Supp

Blueprint Genetics
Classification: Pathogenic for GJB2-related disorders. Last evaluated: 2024-10-31. Review status: criteria provided, single submitter. Criteria: ACMG Guidelines, 2015. Collection method: clinical testing. Allele origin: germline. Affected: yes. Observed: 5 variant alleles.

Fulgent Genetics
Classification: Pathogenic for Mutilating keratoderma; Autosomal dominant keratitis-ichthyosis-hearing loss syndrome; Palmoplantar keratoderma-deafness syndrome; Knuckle pads, deafness AND leukonychia syndrome; Autosomal recessive nonsyndromic hearing loss 1A; Autosomal dominant nonsyndromic hearing loss 3A. Last evaluated: 2024-06-14. Review status: criteria provided, single submitter. Criteria: ACMG Guidelines, 2015. Collection method: clinical testing. Allele origin: germline.

Laboratory of Medical Genetics, National & Kapodistrian University of Athens
Classification: Pathogenic for Autosomal recessive nonsyndromic hearing loss 1A. Last evaluated: 2024-02-01. Review status: criteria provided, single submitter. Criteria: ACMG Guidelines, 2015. Collection method: curation. Allele origin: germline. Affected: no.

Department of Human Genetics, Hannover Medical School
Classification: Pathogenic for Autosomal recessive nonsyndromic hearing loss 1A. Last evaluated: 2023-11-30. Review status: criteria provided, single submitter. Criteria: ACMG Guidelines, 2015. Collection method: clinical testing. Allele origin: germline. Affected: yes.